The following is an entry in ClinVar:

NM_000057.4(BLM):c.3956T>G (p.Ile1319Arg)

Gene: BLM (BLM RecQ like helicase; plus strand). Cytogenetic location: 15q26.1.
Variant type: single nucleotide variant.
Coding change: c.3956T>G on transcript NM_000057.4 (MANE Select); coding-DNA position 3956, T replaced by G.
Protein change: p.Ile1319Arg; replaces isoleucine 1319 with arginine.
Molecular consequence: missense variant.
Genome position (GRCh38, 1-based): chr15:90,811,286, T>G. VCF-style: chr15-90811286-T-G. GRCh37 (hg19) VCF-style: chr15-91354516-T-G.
Other names: c.3956T>G, p.Ile1319Arg (NM_001287246.2); c.3563T>G, p.Ile1188Arg (NM_001287247.2); c.2831T>G, p.Ile944Arg (NM_001287248.2); short protein forms I1319R, I1188R, I944R.
Identifiers: ClinVar variation 3653013 (VCV003653013.2).
Genomic context (GRCh38, chr15:90,811,286, plus strand): 5'-TAAGCCTGTCCAGCAGCAGAGGCCCCGGAAGAAGTGCCGCTGAGGAGCTCGACGAGGAAA[T>G]ACCCGTATCTTCCCACTACTTTGCAAGTAAAACCAGAAATGAAAGGAAGAGGAAAAAGAT-3'
Protein context (NP_000048.1, residues 1309-1329): RSAAEELDEE[Ile1319Arg]PVSSHYFASK

ClinVar aggregate classification (germline): Uncertain significance (1 of 4 stars; one submission).

Conditions:
Bloom syndrome (BLM). Also called: Bloom-Torre-Machacek syndrome. Identifiers: Orphanet 125, MedGen C0005859, MONDO:0008876, OMIM 210900.

Submission:

Labcorp Genetics (formerly Invitae), Labcorp
Classification: Uncertain significance for Bloom syndrome. Last evaluated: 2024-05-14. Review status: criteria provided, single submitter. Criteria: Invitae Variant Classification Sherloc (09022015). Collection method: clinical testing. Allele origin: germline.
Comment: This sequence change replaces isoleucine, which is neutral and non-polar, with arginine, which is basic and polar, at codon 1319 of the BLM protein (p.Ile1319Arg). This variant is not present in population databases (gnomAD no frequency). This variant has not been reported in the literature in individuals affected with BLM-related conditions. Advanced modeling of protein sequence and biophysical properties (such as structural, functional, and spatial information, amino acid conservation, physicochemical variation, residue mobility, and thermodynamic stability) performed at Invitae indicates that this missense variant is not expected to disrupt BLM protein function with a negative predictive value of 80%. In summary, the available evidence is currently insufficient to determine the role of this variant in disease. Therefore, it has been classified as a Variant of Uncertain Significance.